The following is an entry in ClinVar:

ClinVar aggregate classification (germline): Uncertain significance (1 of 4 stars; one submission).

Conditions:
Hereditary cancer-predisposing syndrome. Also called: Neoplastic Syndromes, Hereditary; Tumor predisposition; Hereditary Cancer Syndrome; Hereditary neoplastic syndrome. Identifiers: Orphanet 140162, MedGen C0027672, MeSH D009386, MONDO:0015356.

Allele frequency attached by ClinVar (database versions not stated): gnomAD exomes below 0.00001; TOPMed below 0.00001.
gnomAD v4.1: 1 of 1,614,212 alleles (0.000062%); no homozygotes.

Submission:

Ambry Genetics
Classification: Uncertain significance for Hereditary cancer-predisposing syndrome. Last evaluated: 2022-08-24. Review status: criteria provided, single submitter. Criteria: Ambry Variant Classification Scheme 2023. Collection method: clinical testing. Allele origin: germline.
Comment: The p.Y993C variant (also known as c.2978A>G), located in coding exon 14 of the BLM gene, results from an A to G substitution at nucleotide position 2978. The tyrosine at codon 993 is replaced by cysteine, an amino acid with highly dissimilar properties. This amino acid position is conserved. In addition, this alteration is predicted to be deleterious by in silico analysis. Since supporting evidence is limited at this time, the clinical significance of this alteration remains unclear.

NM_000057.4(BLM):c.2978A>G (p.Tyr993Cys)

Gene: BLM (BLM RecQ like helicase; plus strand). Cytogenetic location: 15q26.1.
Variant type: single nucleotide variant.
Coding change: c.2978A>G on transcript NM_000057.4 (MANE Select); coding-DNA position 2978, A replaced by G.
Protein change: p.Tyr993Cys; replaces tyrosine 993 with cysteine.
Molecular consequence: missense variant.
Genome position (GRCh38, 1-based): chr15:90,790,803, A>G. VCF-style: chr15-90790803-A-G. GRCh37 (hg19) VCF-style: chr15-91334033-A-G.
Other names: c.2978A>G, p.Tyr993Cys (NM_001287246.2, NM_001287247.2); c.1853A>G, p.Tyr618Cys (NM_001287248.2); short protein forms Y618C, Y993C.
Identifiers: ClinVar variation 1798346 (VCV001798346.2), dbSNP rs1245758227, ClinGen allele CA393846542.
Genomic context (GRCh38, chr15:90,790,803, plus strand): 5'-ACTACCAAGAATCTGGCAGAGCTGGAAGAGATGGGGAAATATCTCACTGCCTGCTTTTCT[A>G]TACCTATCATGATGTGACCAGACTGAAAAGACTTATAATGAGTAAGCTGGGCTCCATTGT-3'
Protein context (NP_000048.1, residues 983-1003): DGEISHCLLF[Tyr993Cys]TYHDVTRLKR